The following is an entry in ClinVar:

NM_007214.5(SEC63):c.*3497A>G

Gene: SEC63 (SEC63 homolog, protein translocation regulator; minus strand). Cytogenetic location: 6q21.
Variant type: single nucleotide variant.
Coding change: c.*3497A>G on transcript NM_007214.5 (MANE Select); 3497 bases downstream of the stop codon, A replaced by G.
Molecular consequence: 3 prime UTR variant.
Genome position (GRCh38, 1-based): chr6:107,868,207, T>C on the plus strand (A>G on the coding strand, the complement: SEC63 is on the minus strand). VCF-style: chr6-107868207-T-C. GRCh37 (hg19) VCF-style: chr6-108189411-T-C.
Identifiers: ClinVar variation 354819 (VCV000354819.5), dbSNP rs6933329, ClinGen allele CA10625446.
Genomic context (GRCh38, chr6:107,868,207, plus strand): 5'-GTTATTTCACTTTAAGGCAGTCTAAATAGAGGATTTCATGGAGTTAAATCAGACCGTTTG[T>C]GGGAAAATTGTTTCTTAAAAAAAAAAAAACATTTTAAAGGAAAGGATGATGATTTGTTGT-3'

ClinVar aggregate classification (germline): Benign (1 of 4 stars; one submission).

Conditions:
Polycystic liver disease 2 (PCLD2). Also called: Polycystic liver disease 2 with or without kidney cysts. Identifiers: Orphanet 2924, MedGen C4310769, MONDO:0014860, OMIM 617004.

Allele frequency attached by ClinVar (database versions not stated): 1000 Genomes Project 30x 0.15053; TOPMed 0.10638; gnomAD 0.12986 and 0.13479; 1000 Genomes Project 0.15315.

Submission:

Illumina Laboratory Services, Illumina
Classification: Benign for Polycystic liver disease 2. Last evaluated: 2018-01-13. Review status: criteria provided, single submitter. Criteria: ICSL Variant Classification Criteria 13 December 2019. Collection method: clinical testing. Allele origin: germline.
Comment: This variant was observed in the ICSL laboratory as part of a predisposition screen in an ostensibly healthy population. It had not been previously curated by ICSL or reported in the Human Gene Mutation Database (HGMD: prior to June 1st, 2018), and was therefore a candidate for classification through an automated scoring system. Utilizing variant allele frequency, disease prevalence and penetrance estimates, and inheritance mode, an automated score was calculated to assess if this variant is too frequent to cause the disease. Based on the score and internal cut-off values, a variant classified as benign is not then subjected to further curation. The score for this variant resulted in a classification of benign for this disease.